The following is an entry in ClinVar:

ClinVar aggregate classification (germline): Likely benign (1 of 4 stars; one submission).

gnomAD v4.1: 1,408 of 152,224 alleles (0.92%); highest among the groups gnomAD compares: African/African-American, 3.2%; 22 homozygotes.

Submission:

GeneDx
Classification: Likely benign. Last evaluated: 2021-04-25. Review status: criteria provided, single submitter. Criteria: GeneDx Variant Classification Process June 2021. Collection method: clinical testing. Allele origin: germline. Affected: yes.
Comment: See Variant Classification Assertion Criteria.

NM_006416.5(SLC35A1):c.507+192G>A

Gene: SLC35A1 (solute carrier family 35 member A1; plus strand). Cytogenetic location: 6q15.
Variant type: single nucleotide variant.
Coding change: c.507+192G>A on transcript NM_006416.5 (MANE Select); 192 bases into the intron after coding-DNA position 507, G replaced by A.
Molecular consequence: intron variant.
Genome position (GRCh38, 1-based): chr6:87,501,502, G>A. VCF-style: chr6-87501502-G-A. GRCh37 (hg19) VCF-style: chr6-88211220-G-A.
Other names: c.507+192G>A (NM_001168398.2).
Identifiers: ClinVar variation 4813947 (VCV004813947.1).
Genomic context (GRCh38, chr6:87,501,502, plus strand): 5'-AGGCCTTTTTTCTTTAGCATATTATTAGGGATAATAATACTTATTGGTTGTTTCTCAGAG[G>A]AGAATATGCATAAAATATGTTACAGATGGAACATACCTTAGAAATAATGTGTTCCATCCC-3'